The following is an entry in ClinVar:

ClinVar aggregate classification (germline): Uncertain significance (1 of 4 stars; one submission).

gnomAD v4.1: 1 of 1,614,154 alleles (0.000062%); no homozygotes.

Submission:

Ambry Genetics
Classification: Uncertain significance. Last evaluated: 2020-09-17. Review status: criteria provided, single submitter. Criteria: Ambry Variant Classification Scheme 2023. Collection method: clinical testing. Allele origin: germline.
Comment: The p.Q549* variant (also known as c.1645C>T), located in coding exon 10 of the GALNT12 gene, results from a C to T substitution at nucleotide position 1645. This changes the amino acid from a glutamine to a stop codon within coding exon 10. This alteration occurs at the 3' terminus of the GALNT12 gene, is not expected to trigger nonsense-mediated mRNA decay, and only impacts the last 32 amino acids of the protein. The exact functional effect of this alteration is unknown. Since supporting evidence is limited at this time, the clinical significance of this alteration remains unclear.

NM_024642.5(GALNT12):c.1645C>T (p.Gln549Ter)

Gene: GALNT12 (polypeptide N-acetylgalactosaminyltransferase 12; plus strand). Cytogenetic location: 9q22.33.
Variant type: single nucleotide variant.
Coding change: c.1645C>T on transcript NM_024642.5 (MANE Select); coding-DNA position 1645, C replaced by T.
Protein change: p.Gln549Ter; replaces glutamine 549 with a stop codon.
Molecular consequence: nonsense.
Genome position (GRCh38, 1-based): chr9:98,848,991, C>T. VCF-style: chr9-98848991-C-T. GRCh37 (hg19) VCF-style: chr9-101611273-C-T.
Other names: short protein forms Q549*.
Identifiers: ClinVar variation 1777137 (VCV001777137.2), dbSNP rs2118522703, ClinGen allele CA374222910.